The following is an entry in ClinVar:

NM_032638.5(GATA2):c.423C>A (p.Tyr141Ter)

Gene: GATA2 (GATA binding protein 2; minus strand). Cytogenetic location: 3q21.3.
Variant type: single nucleotide variant.
Coding change: c.423C>A on transcript NM_032638.5 (MANE Select); coding-DNA position 423, C replaced by A.
Protein change: p.Tyr141Ter; replaces tyrosine 141 with a stop codon.
Molecular consequence: nonsense.
Genome position (GRCh38, 1-based): chr3:128,486,175, G>T on the plus strand (C>A on the coding strand, the complement: GATA2 is on the minus strand). VCF-style: chr3-128486175-G-T. GRCh37 (hg19) VCF-style: chr3-128205018-G-T.
Other names: c.423C>A, p.Tyr141Ter (NM_001145661.2, NM_001145662.1); short protein forms Y141*.
Identifiers: ClinVar variation 1184208 (VCV001184208.1), dbSNP rs781744898, ClinGen allele CA354406803.

ClinVar aggregate classification (germline): Pathogenic (1 of 4 stars; one submission).

Conditions:
Deafness-lymphedema-leukemia syndrome. Also called: Emberger syndrome; Lymphedema, primary, with myelodysplasia. Identifiers: Orphanet 3226, MedGen C3279664, MONDO:0013540, OMIM 614038.
GATA2 deficiency with susceptibility to MDS/AML. Identifiers: MedGen CN300066, MONDO:0042982.

Submission:

Molecular Pathology Research Laboratory, SA Pathology
Classification: Pathogenic for GATA2 deficiency with susceptibility to MDS/AML; Deafness-lymphedema-leukemia syndrome. Last evaluated: 2021-07-06. Review status: criteria provided, single submitter. Criteria: ACMG Guidelines, 2015. Collection method: curation. Allele origin: germline. Inheritance: Autosomal dominant inheritance. Affected: yes. Observed: 2 variant alleles.
Comment: PVS1, PS4_Moderate, PM2

Literature cited by the submitters: PubMed 29724903; PubMed 29146883.